The following is an entry in ClinVar:

NM_001291303.3(FAT4):c.12488G>A (p.Arg4163Lys)

Gene: FAT4 (FAT atypical cadherin 4; plus strand). Cytogenetic location: 4q28.1.
Variant type: single nucleotide variant.
Coding change: c.12488G>A on transcript NM_001291303.3 (MANE Select); coding-DNA position 12488, G replaced by A.
Protein change: p.Arg4163Lys; replaces arginine 4163 with lysine.
Molecular consequence: missense variant.
Genome position (GRCh38, 1-based): chr4:125,479,749, G>A. VCF-style: chr4-125479749-G-A. GRCh37 (hg19) VCF-style: chr4-126400904-G-A.
Other names: c.12488G>A, p.Arg4163Lys (NM_001291285.3, NM_001438396.1, NM_001438397.1); c.7259G>A, p.Arg2420Lys (NM_001437895.1); c.12482G>A, p.Arg4161Lys (NM_024582.6); short protein forms R2420K, R4161K, R4163K.
Identifiers: ClinVar variation 5039068 (VCV005039068.1).

ClinVar aggregate classification (germline): Uncertain significance (1 of 4 stars; one submission).

Submission:

CeGaT Center for Human Genetics Tuebingen
Classification: Uncertain significance. Last evaluated: 2026-07-01. Review status: criteria provided, single submitter. Criteria: CeGaT Center For Human Genetics Tuebingen Variant Classification Criteria Version 2. Collection method: clinical testing. Allele origin: germline. Affected: yes. Observed: 1 variant allele.
Comment: FAT4: PM2, PM3:Supporting